The following is an entry in ClinVar:

ClinVar aggregate classification (germline): Uncertain significance (1 of 4 stars; one submission).

Conditions:
Gastrointestinal stromal tumor. Also called: Gastrointestinal stromal tumor, somatic; Gastrointestinal stroma tumor. Identifiers: Orphanet 44890, MedGen C0238198, MeSH D046152, MONDO:0011719, OMIM 606764, HP:0100723.

gnomAD v4.1: 1 of 1,614,172 alleles (0.000062%); highest among the groups gnomAD compares: East Asian, 0.0022%; no homozygotes.

Submission:

Labcorp Genetics (formerly Invitae), Labcorp
Classification: Uncertain significance for Gastrointestinal stromal tumor. Last evaluated: 2026-01-10. Review status: criteria provided, single submitter. Criteria: Invitae Variant Classification Sherloc (09022015). Collection method: clinical testing. Allele origin: germline.
Comment: This sequence change replaces valine, which is neutral and non-polar, with leucine, which is neutral and non-polar, at codon 50 of the KIT protein (p.Val50Leu). This variant is not present in population databases (gnomAD no frequency). This variant has not been reported in the literature in individuals affected with KIT-related conditions. ClinVar contains an entry for this variant (Variation ID: 964943). An algorithm developed to predict the effect of missense changes on protein structure and function (PolyPhen-2) suggests that this variant is likely to be tolerated. In summary, the available evidence is currently insufficient to determine the role of this variant in disease. Therefore, it has been classified as a Variant of Uncertain Significance.

NM_000222.3(KIT):c.148G>C (p.Val50Leu)

Gene: KIT (KIT proto-oncogene, receptor tyrosine kinase; plus strand). Cytogenetic location: 4q12.
Variant type: single nucleotide variant.
Coding change: c.148G>C on transcript NM_000222.3 (MANE Select); coding-DNA position 148, G replaced by C.
Protein change: p.Val50Leu; replaces valine 50 with leucine.
Molecular consequence: missense variant.
Genome position (GRCh38, 1-based): chr4:54,695,592, G>C. VCF-style: chr4-54695592-G-C. GRCh37 (hg19) VCF-style: chr4-55561758-G-C.
Other names: c.148G>C, p.Val50Leu (NM_001093772.2, NM_001385284.1, NM_001385285.1 and 4 more transcripts); short protein forms V50L.
Identifiers: ClinVar variation 964943 (VCV000964943.8), dbSNP rs200950545, ClinGen allele CA356896934.
Genomic context (GRCh38, chr4:54,695,592, plus strand): 5'-AGTCCAGGGGAACCGTCTCCACCATCCATCCATCCAGGAAAATCAGACTTAATAGTCCGC[G>C]TGGGCGACGAGATTAGGCTGTTATGCACTGATCCGGGCTTTGTCAAATGGACTTTTGAGA-3'
Protein context (NP_000213.1, residues 40-60): HPGKSDLIVR[Val50Leu]GDEIRLLCTD